The following is an entry in ClinVar:

ClinVar aggregate classification (germline): Uncertain significance (1 of 4 stars; one submission).

Submission:

GeneDx
Classification: Uncertain significance. Last evaluated: 2025-03-04. Review status: criteria provided, single submitter. Criteria: GeneDx Variant Classification Process June 2021. Collection method: clinical testing. Allele origin: germline. Affected: yes.
Comment: Not observed at significant frequency in large population cohorts (gnomAD); Canonical splice site variant with an unclear effect on protein function; Has not been previously published as pathogenic or benign to our knowledge

NM_032271.3(TRAF7):c.1627-1G>A

Gene: TRAF7 (TNF receptor associated factor 7; plus strand). Cytogenetic location: 16p13.3.
Variant type: single nucleotide variant.
Coding change: c.1627-1G>A on transcript NM_032271.3 (MANE Select); the canonical splice acceptor site of the intron before coding-DNA position 1627, G replaced by A.
Molecular consequence: splice acceptor variant.
Genome position (GRCh38, 1-based): chr16:2,175,833, G>A. VCF-style: chr16-2175833-G-A. GRCh37 (hg19) VCF-style: chr16-2225834-G-A.
Identifiers: ClinVar variation 4082686 (VCV004082686.1).